The following is an entry in ClinVar:

ClinVar aggregate classification (germline): Uncertain significance (1 of 4 stars; one submission).

gnomAD v4.1: 6 of 1,613,718 alleles (0.00037%); highest among the groups gnomAD compares: Non-Finnish European, 0.00051%; no homozygotes.

Submission:

CeGaT Center for Human Genetics Tuebingen
Classification: Uncertain significance. Last evaluated: 2025-09-01. Review status: criteria provided, single submitter. Criteria: CeGaT Center For Human Genetics Tuebingen Variant Classification Criteria Version 2. Collection method: clinical testing. Allele origin: germline. Affected: yes. Observed: 1 variant allele.
Comment: GTF3C3: PM2

NM_012086.5(GTF3C3):c.2645C>A (p.Thr882Asn)

Gene: GTF3C3 (general transcription factor IIIC subunit 3; minus strand). Cytogenetic location: 2q33.1.
Variant type: single nucleotide variant.
Coding change: c.2645C>A on transcript NM_012086.5 (MANE Select); coding-DNA position 2645, C replaced by A.
Protein change: p.Thr882Asn; replaces threonine 882 with asparagine.
Molecular consequence: missense variant.
Genome position (GRCh38, 1-based): chr2:196,764,579, G>T on the plus strand (C>A on the coding strand, the complement: GTF3C3 is on the minus strand). VCF-style: chr2-196764579-G-T. GRCh37 (hg19) VCF-style: chr2-197629303-G-T.
Other names: short protein forms T882N.
Identifiers: ClinVar variation 4281042 (VCV004281042.7).
Genomic context (GRCh38, chr2:196,764,579, plus strand): 5'-CCTCACACAGCAGCTGCCATTGCTCTGTTCTCAGTTGCGGTGCTTTATATAGAACAATAG[G>T]TATACAAAAGCGTTTGAGCCATTCCGGTATTCCCACTGCTCTGATAGATGAGAGACAAGT-3'
Protein context (NP_036218.1, residues 872-886): NTGMAQTLLY[Thr882Asn]YCSI